The following is an entry in ClinVar:

ClinVar aggregate classification (germline): Uncertain significance. Review status: criteria provided, multiple submitters, no conflicts (2 of 4 stars). 2 submissions from 2 submitters: Uncertain significance (2). Last evaluated 2026-04-06.

Conditions:
Inborn genetic diseases. Identifiers: MedGen C0950123, MeSH D030342.

Allele frequency attached by ClinVar (database versions not stated): gnomAD exomes below 0.00001.
gnomAD v4.1: 7 of 1,614,240 alleles (0.00043%); highest among the groups gnomAD compares: Non-Finnish European, 0.00059%; no homozygotes.

Submissions (2):

Ambry Genetics
Classification: Uncertain significance for Inborn genetic diseases. Last evaluated: 2026-04-06. Review status: criteria provided, single submitter. Criteria: Ambry Variant Classification Scheme 2023. Collection method: clinical testing. Allele origin: germline.
Comment: The p.K1025T variant (also known as c.3074A>C), located in coding exon 13 of the ASXL1 gene, results from an A to C substitution at nucleotide position 3074. The lysine at codon 1025 is replaced by threonine, an amino acid with similar properties. This amino acid position is conserved. In addition, this alteration is predicted to be tolerated by in silico analysis. Based on the available evidence, the clinical significance of this variant remains unclear.

Labcorp Genetics (formerly Invitae), Labcorp
Classification: Uncertain significance. Last evaluated: 2024-08-06. Review status: criteria provided, single submitter. Criteria: Invitae Variant Classification Sherloc (09022015). Collection method: clinical testing. Allele origin: germline.
Comment: This sequence change replaces lysine, which is basic and polar, with threonine, which is neutral and polar, at codon 1025 of the ASXL1 protein (p.Lys1025Thr). This variant is present in population databases (no rsID available, gnomAD 0.0009%). This variant has not been reported in the literature in individuals affected with ASXL1-related conditions. ClinVar contains an entry for this variant (Variation ID: 1718929). An algorithm developed to predict the effect of missense changes on protein structure and function (PolyPhen-2) suggests that this variant is likely to be tolerated. In summary, the available evidence is currently insufficient to determine the role of this variant in disease. Therefore, it has been classified as a Variant of Uncertain Significance.

NM_015338.6(ASXL1):c.3074A>C (p.Lys1025Thr)

Gene: ASXL1 (ASXL transcriptional regulator 1; plus strand). Cytogenetic location: 20q11.21.
Variant type: single nucleotide variant.
Coding change: c.3074A>C on transcript NM_015338.6 (MANE Select); coding-DNA position 3074, A replaced by C.
Protein change: p.Lys1025Thr; replaces lysine 1025 with threonine.
Molecular consequence: missense variant.
Genome position (GRCh38, 1-based): chr20:32,435,786, A>C. VCF-style: chr20-32435786-A-C. GRCh37 (hg19) VCF-style: chr20-31023589-A-C.
Other names: c.2891A>C, p.Lys964Thr (NM_001363734.1); short protein forms K1025T, K964T.
Identifiers: ClinVar variation 1718929 (VCV001718929.6), dbSNP rs1341269354, ClinGen allele CA408562294.